The following is an entry in ClinVar:

ClinVar aggregate classification (germline): Likely pathogenic (0 of 4 stars; one submission).

Conditions:
MYO5B-related disorder. Also called: MYO5B-related condition.

gnomAD v4.1: 11 of 1,613,934 alleles (0.00068%); highest among the groups gnomAD compares: Admixed American, 0.0017%; no homozygotes.

Submission:

PreventionGenetics, part of Exact Sciences
Classification: Likely pathogenic for MYO5B-related condition. Last evaluated: 2024-04-17. Review status: no assertion criteria provided. Collection method: clinical testing. Allele origin: germline.
Comment: The MYO5B c.3537+2T>G variant is predicted to disrupt the GT donor site and interfere with normal splicing. To our knowledge, this variant has not been reported in the literature. This variant is reported in 0.0028% of alleles in individuals of Latino descent in gnomAD. Variants that disrupt the consensus splice donor site in MYO5B are expected to be pathogenic. This variant is interpreted as likely pathogenic.

NM_001080467.3(MYO5B):c.3537+2T>G

Gene: MYO5B (myosin VB; minus strand). Cytogenetic location: 18q21.1.
Variant type: single nucleotide variant.
Coding change: c.3537+2T>G on transcript NM_001080467.3 (MANE Select); the canonical splice donor site of the intron after coding-DNA position 3537, T replaced by G.
Molecular consequence: splice donor variant.
Genome position (GRCh38, 1-based): chr18:49,875,685, A>C on the plus strand (T>G on the coding strand, the complement: MYO5B is on the minus strand). VCF-style: chr18-49875685-A-C. GRCh37 (hg19) VCF-style: chr18-47402055-A-C.
Identifiers: ClinVar variation 3346106 (VCV003346106.1).